The following is an entry in ClinVar:

NM_006393.3(NEBL):c.258+200C>T

Gene: NEBL (nebulette; minus strand). Cytogenetic location: 10p12.31.
Variant type: single nucleotide variant.
Coding change: c.258+200C>T on transcript NM_006393.3 (MANE Select); 200 bases into the intron after coding-DNA position 258, C replaced by T.
Molecular consequence: intron variant.
Genome position (GRCh38, 1-based): chr10:20,889,645, G>A on the plus strand (C>T on the coding strand, the complement: NEBL is on the minus strand). VCF-style: chr10-20889645-G-A. GRCh37 (hg19) VCF-style: chr10-21178574-G-A.
Other names: c.249+72027C>T (NM_001377326.1, NM_001377327.1, NM_001377328.1); c.357+72027C>T (NM_213569.2, NM_001173484.2, NM_001377322.1); c.300+72027C>T (NM_001377324.1); c.291+72027C>T (NM_001377325.1); c.309+72027C>T (NM_001377323.1).
Identifiers: ClinVar variation 672880 (VCV000672880.1), dbSNP rs697161, ClinGen allele CA13318225.

ClinVar aggregate classification (germline): Benign (1 of 4 stars; one submission).

Allele frequency attached by ClinVar (database versions not stated): TOPMed 0.88502; 1000 Genomes Project 30x 0.88601; 1000 Genomes Project 0.88858; gnomAD 0.89817 and 0.89860.
gnomAD v4.1: 136,705 of 152,200 alleles (90%); highest among the groups gnomAD compares: South Asian, 92%; 61,536 homozygotes.

Submission:

GeneDx
Classification: Benign. Last evaluated: 2018-06-14. Review status: criteria provided, single submitter. Criteria: GeneDx Variant Classification (06012015). Collection method: clinical testing. Allele origin: germline. Affected: yes.
Comment: This variant is considered likely benign or benign based on one or more of the following criteria: it is a conservative change, it occurs at a poorly conserved position in the protein, it is predicted to be benign by multiple in silico algorithms, and/or has population frequency not consistent with disease.